The following is an entry in ClinVar:

NM_002471.4(MYH6):c.1498GAG[1] (p.Glu501del)

Gene: MYH6 (myosin heavy chain 6; minus strand). Cytogenetic location: 14q11.2.
Variant type: Microsatellite.
Coding change: c.1498GAG[1] on transcript NM_002471.4 (MANE Select); one copy of the 3-base unit GAG starting at c.1498; the reference has two copies in a row; one copy, 3 bases deleted.
Protein change: p.Glu501del; deletes glutamic acid 501.
Genome position (GRCh38, 1-based): chr14:23,400,334-23,400,336, CTC deleted on the plus strand (GAG on the coding strand, the reverse complement: MYH6 is on the minus strand); deleting any 3 consecutive bases within chr14:23,400,334-23,400,341 gives the same sequence; the position shown is the placement nearest the transcript's 3' end. VCF-style (leftmost placement, unchanged base first): chr14-23400333-ACTC-A. GRCh37 (hg19) VCF-style: chr14-23869542-ACTC-A.
Other names: short protein forms E501del.
Identifiers: ClinVar variation 3726703 (VCV003726703.2).

ClinVar aggregate classification (germline): Uncertain significance (1 of 4 stars; one submission).

Conditions:
Hypertrophic cardiomyopathy 14. Identifiers: MedGen C2750467, MONDO:0013197, OMIM 613251.

Submission:

Labcorp Genetics (formerly Invitae), Labcorp
Classification: Uncertain significance for Hypertrophic cardiomyopathy 14. Last evaluated: 2024-05-18. Review status: criteria provided, single submitter. Criteria: Invitae Variant Classification Sherloc (09022015). Collection method: clinical testing. Allele origin: germline.
Comment: This variant, c.1501_1503del, results in the deletion of 1 amino acid(s) of the MYH6 protein (p.Glu501del), but otherwise preserves the integrity of the reading frame. This variant is present in population databases (rs761646867, gnomAD 0.01%). This variant has not been reported in the literature in individuals affected with MYH6-related conditions. Experimental studies and prediction algorithms are not available or were not evaluated, and the functional significance of this variant is currently unknown. In summary, the available evidence is currently insufficient to determine the role of this variant in disease. Therefore, it has been classified as a Variant of Uncertain Significance.